The following is an entry in ClinVar:

ClinVar aggregate classification (germline): Uncertain significance (1 of 4 stars; one submission).

Conditions:
Early-infantile DEE. Also called: Early infantile epileptic encephalopathy with suppression bursts; Ohtahara syndrome; Early infantile epileptic encephalopathy. Identifiers: Orphanet 1934, MedGen C0393706, MONDO:0800491.

Allele frequency attached by ClinVar (database versions not stated): gnomAD 0.00001; gnomAD exomes 0.00001; ExAC 0.00002; TOPMed 0.00003.
gnomAD v4.1: 22 of 1,609,288 alleles (0.0014%); highest among the groups gnomAD compares: African/African-American, 0.0027%; no homozygotes.

Submission:

Labcorp Genetics (formerly Invitae), Labcorp
Classification: Uncertain significance for Early-infantile DEE. Last evaluated: 2026-01-03. Review status: criteria provided, single submitter. Criteria: Invitae Variant Classification Sherloc (09022015). Collection method: clinical testing. Allele origin: germline.
Comment: This sequence change replaces arginine, which is basic and polar, with glutamine, which is neutral and polar, at codon 115 of the ARHGEF15 protein (p.Arg115Gln). This variant is present in population databases (rs763386020, gnomAD 0.003%). This variant has not been reported in the literature in individuals affected with ARHGEF15-related conditions. ClinVar contains an entry for this variant (Variation ID: 643626). An algorithm developed to predict the effect of missense changes on protein structure and function outputs the following: PolyPhen-2: "Benign". The glutamine amino acid residue is found in multiple mammalian species, which suggests that this missense change does not adversely affect protein function. In summary, the available evidence is currently insufficient to determine the role of this variant in disease. Therefore, it has been classified as a Variant of Uncertain Significance.

NM_173728.4(ARHGEF15):c.344G>A (p.Arg115Gln)

Gene: ARHGEF15 (Rho guanine nucleotide exchange factor 15; plus strand). Cytogenetic location: 17p13.1.
Variant type: single nucleotide variant.
Coding change: c.344G>A on transcript NM_173728.4 (MANE Select); coding-DNA position 344, G replaced by A.
Protein change: p.Arg115Gln; replaces arginine 115 with glutamine.
Molecular consequence: missense variant.
Genome position (GRCh38, 1-based): chr17:8,312,383, G>A. VCF-style: chr17-8312383-G-A. GRCh37 (hg19) VCF-style: chr17-8215701-G-A.
Other names: c.344G>A, p.Arg115Gln (NM_025014.2); short protein forms R115Q.
Identifiers: ClinVar variation 643626 (VCV000643626.7), dbSNP rs763386020, ClinGen allele CA8374837.
Genomic context (GRCh38, chr17:8,312,383, plus strand): 5'-CCAGCACCCCCACACCTAGTCCAGTGTCCCGGCGCTCCGCCTCCCCAGAACCTGCTCCCC[G>A]GTCTCCAGTCCCCCCACCCAAGCCGTCTGGGTCACCCTGCACGCCTCTGCTCCCCATGGC-3'
Protein context (NP_776089.2, residues 105-125): RRSASPEPAP[Arg115Gln]SPVPPPKPSG